The following is an entry in ClinVar:

ClinVar aggregate classification (germline): Benign. Review status: reviewed by expert panel (3 of 4 stars). 3 submissions from 2 submitters: Benign (1). 2 of the submissions do not count toward it. Last evaluated 2015-01-12.

Conditions:
Fanconi anemia complementation group D1. Also called: BRCA2-Related Fanconi Anemia. Identifiers: Orphanet 319462, MedGen C1838457, MONDO:0011584, OMIM 605724.
Breast-ovarian cancer, familial, susceptibility to, 2 (BROVCA2). Also called: BRCA2 Hereditary Breast and Ovarian Cancer. Identifiers: Orphanet 145, MedGen C2675520, MONDO:0012933, OMIM 612555. Disease mechanism: loss of function.

Allele frequency attached by ClinVar (database versions not stated): gnomAD exomes 0.00091; gnomAD 0.00732 and 0.00789; 1000 Genomes Project 0.00819; TOPMed 0.00819; 1000 Genomes Project 30x 0.00843.
gnomAD v4.1: 1,296 of 355,710 alleles (0.36%); highest among the groups gnomAD compares: African/African-American, 2.5%; 20 homozygotes.

Submissions (3):

Evidence-based Network for the Interpretation of Germline Mutant Alleles (ENIGMA)
Classification: Benign for Breast-ovarian cancer, familial 2. Last evaluated: 2015-01-12. Review status: reviewed by expert panel. Criteria: ENIGMA BRCA1/2 Classification Criteria (2015). Collection method: curation. Allele origin: germline.
Comment: Class 1 not pathogenic based on frequency >1% in an outbred sampleset. Frequency 0.03252 (African), derived from 1000 genomes (2012-04-30).

Illumina Laboratory Services, Illumina
Classification: Benign for Breast-ovarian cancer, familial, susceptibility to, 2. Last evaluated: 2018-01-12. Review status: criteria provided, single submitter. Criteria: ICSL Variant Classification Criteria 13 December 2019. Collection method: clinical testing. Allele origin: germline. Not counted in ClinVar's aggregate classification.
Comment: This variant was observed in the ICSL laboratory as part of a predisposition screen in an ostensibly healthy population. It had not been previously curated by ICSL or reported in the Human Gene Mutation Database (HGMD: prior to June 1st, 2018), and was therefore a candidate for classification through an automated scoring system. Utilizing variant allele frequency, disease prevalence and penetrance estimates, and inheritance mode, an automated score was calculated to assess if this variant is too frequent to cause the disease. Based on the score and internal cut-off values, a variant classified as benign is not then subjected to further curation. The score for this variant resulted in a classification of benign for this disease.

Illumina Laboratory Services, Illumina
Classification: Benign for Fanconi anemia complementation group D1. Last evaluated: 2018-01-12. Review status: criteria provided, single submitter. Criteria: ICSL Variant Classification Criteria 13 December 2019. Collection method: clinical testing. Allele origin: germline. Not counted in ClinVar's aggregate classification.
Comment: the same text as in the submission from Illumina Laboratory Services, Illumina above.

NM_000059.4(BRCA2):c.*295C>G

Gene: BRCA2 (BRCA2 DNA repair associated; plus strand). Cytogenetic location: 13q13.1.
Variant type: single nucleotide variant.
Coding change: c.*295C>G on transcript NM_000059.4 (MANE Select); 295 bases downstream of the stop codon, C replaced by G.
Molecular consequence: 3 prime UTR variant.
Genome position (GRCh38, 1-based): chr13:32,399,065, C>G. VCF-style: chr13-32399065-C-G. GRCh37 (hg19) VCF-style: chr13-32973202-C-G.
Other names: 10780 C>G.
Identifiers: ClinVar variation 209923 (VCV000209923.5), dbSNP rs11571834, ClinGen allele CA276890.